The following is an entry in ClinVar:

NM_006514.4(SCN10A):c.2464G>A (p.Ala822Thr)

Gene: SCN10A (sodium voltage-gated channel alpha subunit 10; minus strand). Cytogenetic location: 3p22.2.
Variant type: single nucleotide variant.
Coding change: c.2464G>A on transcript NM_006514.4 (MANE Select); coding-DNA position 2464, G replaced by A.
Protein change: p.Ala822Thr; replaces alanine 822 with threonine.
Molecular consequence: missense variant.
Genome position (GRCh38, 1-based): chr3:38,728,718, C>T on the plus strand (G>A on the coding strand, the complement: SCN10A is on the minus strand). VCF-style: chr3-38728718-C-T. GRCh37 (hg19) VCF-style: chr3-38770209-C-T.
Other names: c.2464G>A, p.Ala822Thr (NM_001293306.2); c.2170G>A, p.Ala724Thr (NM_001293307.2); short protein forms A724T, A822T.
Identifiers: ClinVar variation 948446 (VCV000948446.13), dbSNP rs144304164, ClinGen allele CA2320535.

ClinVar aggregate classification (germline): Uncertain significance. Review status: criteria provided, multiple submitters, no conflicts (2 of 4 stars). 3 submissions from 3 submitters: Uncertain significance (3). Last evaluated 2025-01-19.

Conditions:
Episodic pain syndrome, familial, 2 (FEPS2). Identifiers: Orphanet 306577, MedGen C3809893, MONDO:0014246, OMIM 615551.
Brugada syndrome. Also called: Sudden Unexplained Death Syndrome; Sudden Unexplained Nocturnal Death Syndrome (SUNDS); Sudden unexpected nocturnal death syndrome; Sudden unexplained nocturnal death syndrome. Identifiers: Orphanet 130, MedGen C1142166, MONDO:0015263.
Cardiovascular phenotype. Identifiers: MedGen CN230736.

Allele frequency attached by ClinVar (database versions not stated): gnomAD exomes 0.00002; TOPMed 0.00003; ExAC 0.00004; ESP Exome Variant Server 0.00023.

Submissions (3):

Ambry Genetics
Classification: Uncertain significance for Cardiovascular phenotype. Last evaluated: 2025-01-19. Review status: criteria provided, single submitter. Criteria: Ambry Variant Classification Scheme 2023. Collection method: clinical testing. Allele origin: germline.
Comment: The p.A822T variant (also known as c.2464G>A), located in coding exon 15 of the SCN10A gene, results from a G to A substitution at nucleotide position 2464. The alanine at codon 822 is replaced by threonine, an amino acid with similar properties. This amino acid position is not well conserved in available vertebrate species. In addition, this alteration is predicted to be tolerated by in silico analysis. Since supporting evidence is limited at this time, the clinical significance of this alteration remains unclear.

Labcorp Genetics (formerly Invitae), Labcorp
Classification: Uncertain significance for Brugada syndrome. Last evaluated: 2022-07-06. Review status: criteria provided, single submitter. Criteria: Invitae Variant Classification Sherloc (09022015). Collection method: clinical testing. Allele origin: germline.
Comment: In summary, the available evidence is currently insufficient to determine the role of this variant in disease. Therefore, it has been classified as a Variant of Uncertain Significance. Advanced modeling of protein sequence and biophysical properties (such as structural, functional, and spatial information, amino acid conservation, physicochemical variation, residue mobility, and thermodynamic stability) performed at Invitae indicates that this missense variant is not expected to disrupt SCN10A protein function. ClinVar contains an entry for this variant (Variation ID: 948446). This variant has not been reported in the literature in individuals affected with SCN10A-related conditions. This variant is present in population databases (rs144304164, gnomAD 0.006%). This sequence change replaces alanine, which is neutral and non-polar, with threonine, which is neutral and polar, at codon 822 of the SCN10A protein (p.Ala822Thr).

Revvity Omics, Revvity
Classification: Uncertain significance for Episodic pain syndrome, familial, 2. Last evaluated: 2022-03-02. Review status: criteria provided, single submitter. Criteria: ACMG Guidelines, 2015. Collection method: clinical testing. Allele origin: germline.